The following is an entry in ClinVar:

NM_001122769.3(LCA5):c.859-12G>C

Gene: LCA5 (lebercilin LCA5; minus strand). Cytogenetic location: 6q14.1.
Variant type: single nucleotide variant.
Coding change: c.859-12G>C on transcript NM_001122769.3 (MANE Select); 12 bases into the intron before coding-DNA position 859, G replaced by C.
Molecular consequence: intron variant.
Genome position (GRCh38, 1-based): chr6:79,492,659, C>G on the plus strand (G>C on the coding strand, the complement: LCA5 is on the minus strand). VCF-style: chr6-79492659-C-G. GRCh37 (hg19) VCF-style: chr6-80202376-C-G.
Other names: c.859-12G>C (NM_181714.4).
Identifiers: ClinVar variation 358102 (VCV000358102.12), dbSNP rs115317386, ClinGen allele CA3900995.

ClinVar aggregate classification (germline): Benign/Likely benign. Review status: criteria provided, multiple submitters, no conflicts (2 of 4 stars). 2 submissions from 2 submitters: Benign (1); Likely benign (1). Last evaluated 2026-02-01.

Conditions:
Leber congenital amaurosis 5 (LCA5). Also called: Amaurosis congenita of Leber, type 5. Identifiers: Orphanet 65, MedGen C1858301, MONDO:0011473, OMIM 604537.

Allele frequency attached by ClinVar (database versions not stated): ESP Exome Variant Server 0.01857; 1000 Genomes Project 0.01957; TOPMed 0.02061; 1000 Genomes Project 30x 0.02077.
gnomAD v4.1: 5,247 of 1,344,516 alleles (0.39%); highest among the groups gnomAD compares: African/African-American, 6.6%; 152 homozygotes.

Submissions (2):

Labcorp Genetics (formerly Invitae), Labcorp
Classification: Benign. Last evaluated: 2026-02-01. Review status: criteria provided, single submitter. Criteria: Invitae Variant Classification Sherloc (09022015). Collection method: clinical testing. Allele origin: germline.

Illumina Laboratory Services, Illumina
Classification: Likely benign for Leber congenital amaurosis 5. Last evaluated: 2018-01-13. Review status: criteria provided, single submitter. Criteria: ICSL Variant Classification Criteria 13 December 2019. Collection method: clinical testing. Allele origin: germline.
Comment: This variant was observed in the ICSL laboratory as part of a predisposition screen in an ostensibly healthy population. It had not been previously curated by ICSL or reported in the Human Gene Mutation Database (HGMD: prior to June 1st, 2018), and was therefore a candidate for classification through an automated scoring system. Utilizing variant allele frequency, disease prevalence and penetrance estimates, and inheritance mode, an automated score was calculated to assess if this variant is too frequent to cause the disease. Based on the score and internal cut-off values, a variant classified as likely benign is not then subjected to further curation. The score for this variant resulted in a classification of likely benign for this disease.